The following is an entry in ClinVar:

NM_001134407.3(GRIN2A):c.85A>T (p.Lys29Ter)

Gene: GRIN2A (glutamate ionotropic receptor NMDA type subunit 2A; minus strand). Cytogenetic location: 16p13.2.
Variant type: single nucleotide variant.
Coding change: c.85A>T on transcript NM_001134407.3 (MANE Select); coding-DNA position 85, A replaced by T.
Protein change: p.Lys29Ter; replaces lysine 29 with a stop codon.
Molecular consequence: nonsense.
Genome position (GRCh38, 1-based): chr16:10,180,327, T>A on the plus strand (A>T on the coding strand, the complement: GRIN2A is on the minus strand). VCF-style: chr16-10180327-T-A. GRCh37 (hg19) VCF-style: chr16-10274184-T-A.
Other names: c.85A>T, p.Lys29Ter (NM_000833.5, NM_001134408.2); short protein forms K29*.
Identifiers: ClinVar variation 3656402 (VCV003656402.2).

ClinVar aggregate classification (germline): Pathogenic (1 of 4 stars; one submission).

Conditions:
Landau-Kleffner syndrome (FESD). Also called: EPILEPSY, FOCAL, WITH SPEECH DISORDER AND WITH OR WITHOUT MENTAL RETARDATION; APHASIA, ACQUIRED, WITH EPILEPSY. Identifiers: Orphanet 1945, Orphanet 725, Orphanet 98818, MedGen C0282512, MONDO:0009509, OMIM 245570.

Submission:

Labcorp Genetics (formerly Invitae), Labcorp
Classification: Pathogenic for Landau-Kleffner syndrome. Last evaluated: 2024-06-12. Review status: criteria provided, single submitter. Criteria: Invitae Variant Classification Sherloc (09022015). Collection method: clinical testing. Allele origin: germline.
Comment: This sequence change creates a premature translational stop signal (p.Lys29*) in the GRIN2A gene. It is expected to result in an absent or disrupted protein product. Loss-of-function variants in GRIN2A are known to be pathogenic (PMID: 23933819, 23933820). This variant is not present in population databases (gnomAD no frequency). This variant has not been reported in the literature in individuals affected with GRIN2A-related conditions. For these reasons, this variant has been classified as Pathogenic.

Literature cited by the submitters: PubMed 23933819; PubMed 23933820.